The following is an entry in ClinVar:

NM_014055.4(IFT81):c.1219A>C (p.Lys407Gln)

Gene: IFT81 (intraflagellar transport 81; plus strand). Cytogenetic location: 12q24.11.
Variant type: single nucleotide variant.
Coding change: c.1219A>C on transcript NM_014055.4 (MANE Select); coding-DNA position 1219, A replaced by C.
Protein change: p.Lys407Gln; replaces lysine 407 with glutamine.
Molecular consequence: missense variant. On other transcripts: non-coding transcript variant (4).
Genome position (GRCh38, 1-based): chr12:110,180,452, A>C. VCF-style: chr12-110180452-A-C. GRCh37 (hg19) VCF-style: chr12-110618257-A-C.
Other names: c.1219A>C, p.Lys407Gln (NM_001143779.2); c.289A>C, p.Lys97Gln (NM_001347947.2, NM_001347948.2); short protein forms K407Q, K97Q.
Identifiers: ClinVar variation 2116060 (VCV002116060.4), dbSNP rs2499981080, ClinGen allele CA386916735.
Genomic context (GRCh38, chr12:110,180,452, plus strand): 5'-ATTAGATTACATATTGTGTTTTTTTTACAGTTCAAACGATATGTCAATAAACTTCGAAGC[A>C]AGAGTACAGTTTTCAAAAAGAAGCATCAGATAATAGCTGAACTTAAAGCTGAATTCGGTC-3'
Protein context (NP_054774.2, residues 397-417): FKRYVNKLRS[Lys407Gln]STVFKKKHQI

ClinVar aggregate classification (germline): Uncertain significance (1 of 4 stars; one submission).

Submission:

Labcorp Genetics (formerly Invitae), Labcorp
Classification: Uncertain significance. Last evaluated: 2023-06-30. Review status: criteria provided, single submitter. Criteria: Invitae Variant Classification Sherloc (09022015). Collection method: clinical testing. Allele origin: germline.
Comment: In summary, the available evidence is currently insufficient to determine the role of this variant in disease. Therefore, it has been classified as a Variant of Uncertain Significance. Advanced modeling of protein sequence and biophysical properties (such as structural, functional, and spatial information, amino acid conservation, physicochemical variation, residue mobility, and thermodynamic stability) performed at Invitae indicates that this missense variant is expected to disrupt IFT81 protein function. ClinVar contains an entry for this variant (Variation ID: 2116060). This variant has not been reported in the literature in individuals affected with IFT81-related conditions. This variant is not present in population databases (gnomAD no frequency). This sequence change replaces lysine, which is basic and polar, with glutamine, which is neutral and polar, at codon 407 of the IFT81 protein (p.Lys407Gln).